The following is an entry in ClinVar:

NM_002907.4(RECQL):c.1441G>T (p.Asp481Tyr)

Gene: RECQL (RecQ like helicase; minus strand). Cytogenetic location: 12p12.1.
Variant type: single nucleotide variant.
Coding change: c.1441G>T on transcript NM_002907.4 (MANE Select); coding-DNA position 1441, G replaced by T.
Protein change: p.Asp481Tyr; replaces aspartic acid 481 with tyrosine.
Molecular consequence: missense variant.
Genome position (GRCh38, 1-based): chr12:21,473,557, C>A on the plus strand (G>T on the coding strand, the complement: RECQL is on the minus strand). VCF-style: chr12-21473557-C-A. GRCh37 (hg19) VCF-style: chr12-21626491-C-A.
Other names: c.1441G>T, p.Asp481Tyr (NM_032941.3); short protein forms D481Y.
Identifiers: ClinVar variation 2565565 (VCV002565565.3), dbSNP rs2540334057, ClinGen allele CA384117243.

ClinVar aggregate classification (germline): Uncertain significance (1 of 4 stars; one submission).

Submission:

Ambry Genetics
Classification: Uncertain significance. Last evaluated: 2025-12-21. Review status: criteria provided, single submitter. Criteria: Ambry Variant Classification Scheme 2023. Collection method: clinical testing. Allele origin: germline.
Comment: The p.D481Y variant (also known as c.1441G>T), located in coding exon 11 of the RECQL gene, results from a G to T substitution at nucleotide position 1441. The aspartic acid at codon 481 is replaced by tyrosine, an amino acid with highly dissimilar properties. This amino acid position is conserved. In addition, this alteration is predicted to be tolerated by in silico analysis. Since supporting evidence is limited at this time, the clinical significance of this alteration remains unclear.